The following is an entry in ClinVar:

ClinVar aggregate classification (germline): Pathogenic (1 of 4 stars; one submission).

Conditions:
Charcot-Marie-Tooth disease type 4. Also called: Charcot-Marie-Tooth, Type 4; Charcot-Marie-Tooth disease, type IV. Identifiers: Orphanet 64749, MedGen C4082197, MONDO:0018995.

Submission:

Labcorp Genetics (formerly Invitae), Labcorp
Classification: Pathogenic for Charcot-Marie-Tooth disease type 4. Last evaluated: 2024-06-03. Review status: criteria provided, single submitter. Criteria: Invitae Variant Classification Sherloc (09022015). Collection method: clinical testing. Allele origin: germline.
Comment: This sequence change creates a premature translational stop signal (p.Ser751*) in the PRX gene. While this is not anticipated to result in nonsense mediated decay, it is expected to disrupt the last 711 amino acid(s) of the PRX protein. This variant is not present in population databases (gnomAD no frequency). This variant has not been reported in the literature in individuals affected with PRX-related conditions. This variant disrupts a region of the PRX protein in which other variant(s) (p.Gln1169*) have been determined to be pathogenic (Invitae). This suggests that this is a clinically significant region of the protein, and that variants that disrupt it are likely to be disease-causing. For these reasons, this variant has been classified as Pathogenic.

NM_181882.3(PRX):c.2252C>G (p.Ser751Ter)

Gene: PRX (periaxin; minus strand). Cytogenetic location: 19q13.2.
Variant type: single nucleotide variant.
Coding change: c.2252C>G on transcript NM_181882.3 (MANE Select); coding-DNA position 2252, C replaced by G.
Protein change: p.Ser751Ter; replaces serine 751 with a stop codon.
Molecular consequence: nonsense. On other transcripts: 3 prime UTR variant (1).
Genome position (GRCh38, 1-based): chr19:40,396,100, G>C on the plus strand (C>G on the coding strand, the complement: PRX is on the minus strand). VCF-style: chr19-40396100-G-C. GRCh37 (hg19) VCF-style: chr19-40902007-G-C.
Other names: c.2537C>G, p.Ser846Ter (NM_001411127.1); c.*2457C>G (NM_020956.2); short protein forms S751*, S846*.
Identifiers: ClinVar variation 3655356 (VCV003655356.2).